The following is an entry in ClinVar:

ClinVar aggregate classification (germline): Benign/Likely benign. Review status: criteria provided, multiple submitters, no conflicts (2 of 4 stars). 4 submissions from 4 submitters: Benign (2); Likely benign (2). Last evaluated 2026-01-28.

Allele frequency attached by ClinVar (database versions not stated): 1000 Genomes Project 30x 0.00156; 1000 Genomes Project 0.00160; TOPMed 0.00249; ESP Exome Variant Server 0.00261.
gnomAD v4.1: 764 of 1,614,142 alleles (0.047%); highest among the groups gnomAD compares: African/African-American, 0.91%; 5 homozygotes.

Submissions (4):

Labcorp Genetics (formerly Invitae), Labcorp
Classification: Benign. Last evaluated: 2026-01-28. Review status: criteria provided, single submitter. Criteria: Invitae Variant Classification Sherloc (09022015). Collection method: clinical testing. Allele origin: germline.

CeGaT Center for Human Genetics Tuebingen
Classification: Likely benign. Last evaluated: 2025-10-01. Review status: criteria provided, single submitter. Criteria: CeGaT Center For Human Genetics Tuebingen Variant Classification Criteria Version 2. Collection method: clinical testing. Allele origin: germline. Affected: yes. Observed: 1 variant allele.
Comment: HPS4: BP4, BP7

Blueprint Genetics
Classification: Likely benign. Last evaluated: 2024-11-28. Review status: criteria provided, single submitter. Criteria: ACMG Guidelines, 2015. Collection method: clinical testing. Allele origin: germline.

Breakthrough Genomics
Classification: Benign. Review status: criteria provided, single submitter. Criteria: ACMG Guidelines, 2015. Collection method: not provided. Allele origin: germline. Inheritance: Autosomal recessive inheritance. Affected: yes.

NM_022081.6(HPS4):c.741T>C (p.Pro247=)

Gene: HPS4 (HPS4 biogenesis of lysosomal organelles complex 3 subunit 2; minus strand). Cytogenetic location: 22q12.1.
Variant type: single nucleotide variant.
Coding change: c.741T>C on transcript NM_022081.6 (MANE Select); coding-DNA position 741, T replaced by C.
Protein change: p.Pro247=; no amino-acid change (proline 247 retained).
Molecular consequence: synonymous variant. On other transcripts: non-coding transcript variant (8).
Genome position (GRCh38, 1-based): chr22:26,465,517, A>G on the plus strand (T>C on the coding strand, the complement: HPS4 is on the minus strand). VCF-style: chr22-26465517-A-G. GRCh37 (hg19) VCF-style: chr22-26861483-A-G.
Other names: c.741T>C, p.Pro247= (NM_001349896.1, NM_001349898.2, NM_001349899.2 and 4 more transcripts); c.795T>C, p.Pro265= (NM_001349900.2, NM_001349901.1); c.726T>C, p.Pro242= (NM_152841.2).
Identifiers: ClinVar variation 723870 (VCV000723870.19), dbSNP rs35126034, ClinGen allele CA10163508.